The following is an entry in ClinVar:

NM_004629.2(FANCG):c.497T>C (p.Leu166Pro)

Gene: FANCG (FA complementation group G; minus strand). Cytogenetic location: 9p13.3.
Variant type: single nucleotide variant.
Coding change: c.497T>C on transcript NM_004629.2 (MANE Select); coding-DNA position 497, T replaced by C.
Protein change: p.Leu166Pro; replaces leucine 166 with proline.
Molecular consequence: missense variant.
Genome position (GRCh38, 1-based): chr9:35,078,154, A>G on the plus strand (T>C on the coding strand, the complement: FANCG is on the minus strand). VCF-style: chr9-35078154-A-G. GRCh37 (hg19) VCF-style: chr9-35078151-A-G.
Other names: short protein forms L166P.
Identifiers: ClinVar variation 2038974 (VCV002038974.4), dbSNP rs558788966, ClinGen allele CA5040034.
Genomic context (GRCh38, chr9:35,078,154, plus strand): 5'-AGGAAGGAAGGAGGAGACCCTCAGCTTCAGGTCACTTTCCCTATTACCTGGCTGCCATTC[A>G]GGGTCTCTAGTAACAAGGCCAGGTCCCCAAGACGGTCAGCACTCAACCAGAGGGCAGCCT-3'
Protein context (NP_004620.1, residues 156-176): LGDLALLLET[Leu166Pro]NGSQSGASKD

ClinVar aggregate classification (germline): Uncertain significance. Review status: criteria provided, multiple submitters, no conflicts (2 of 4 stars). 4 submissions from 4 submitters: Uncertain significance (4). Last evaluated 2026-07-08.

Conditions:
Inborn genetic diseases. Identifiers: MedGen C0950123, MeSH D030342.
Fanconi anemia complementation group G. Also called: Fanconi anemia group G; FANCG-Related Fanconi Anemia. Identifiers: Orphanet 84, MedGen C3469527, MONDO:0013565, OMIM 614082.
Fanconi anemia (FA). Also called: Fanconi's anemia. Identifiers: Orphanet 84, MedGen C0015625, MeSH D005199, MONDO:0019391.

Allele frequency attached by ClinVar (database versions not stated): gnomAD 0.00001; 1000 Genomes Project 0.00020; ExAC 0.00001; 1000 Genomes Project 30x 0.00016.

Submissions (4):

Ambry Genetics
Classification: Uncertain significance for Inborn genetic diseases. Last evaluated: 2026-07-08. Review status: criteria provided, single submitter. Criteria: Ambry Variant Classification Scheme 2023. Collection method: clinical testing. Allele origin: germline.
Comment: The p.L166P variant (also known as c.497T>C), located in coding exon 4 of the FANCG gene, results from a T to C substitution at nucleotide position 497. The leucine at codon 166 is replaced by proline, an amino acid with similar properties. This amino acid position is conserved. In addition, this alteration is predicted to be deleterious by in silico analysis. Based on the available evidence, the clinical significance of this variant remains unclear.

St. Jude Molecular Pathology, St. Jude Children's Research Hospital
Classification: Uncertain significance for Fanconi anemia complementation group G. Last evaluated: 2024-07-25. Review status: criteria provided, single submitter. Criteria: St. Jude Assertion Criteria 2020. Collection method: clinical testing. Allele origin: germline.
Comment: The FANCG c.497T>C (p.Leu166Pro) missense change is absent in gnomAD v2.1.1. The in silico tool REVEL predicts a deleterious effect on protein function, but to our knowledge this prediction has not been confirmed by functional studies. To our knowledge, this variant has not been reported in individuals with Fanconi anemia. In summary, the evidence currently available is insufficient to determine the clinical significance of this variant. It has therefore been classified as of uncertain significance.

Illumina Laboratory Services, Illumina
Classification: Uncertain significance for Fanconi anemia complementation group G. Last evaluated: 2023-08-09. Review status: criteria provided, single submitter. Criteria: ICSLVariantClassificationCriteria RUGD 01 April 2020. Collection method: clinical testing. Allele origin: unknown.
Comment: The FANCG c.497T>C (p.Leu166Pro) missense variant has not, to our knowledge, been reported in the peer-reviewed literature. It is not observed at a significant frequency in version 2.1.1 or version 3.1.2 of the Genome Aggregation Database. Multiple lines of computational evidence suggest the variant impacts the gene or gene product. The variant was detected in trans with a variant of uncertain significance. Based on the available evidence, the c.497T>C variant is classified as a variant of uncertain significance for Fanconi anemia.

Labcorp Genetics (formerly Invitae), Labcorp
Classification: Uncertain significance for Fanconi anemia. Last evaluated: 2022-04-07. Review status: criteria provided, single submitter. Criteria: Invitae Variant Classification Sherloc (09022015). Collection method: clinical testing. Allele origin: germline.
Comment: This sequence change replaces leucine, which is neutral and non-polar, with proline, which is neutral and non-polar, at codon 166 of the FANCG protein (p.Leu166Pro). This variant is present in population databases (rs558788966, gnomAD 0.003%). This variant has not been reported in the literature in individuals affected with FANCG-related conditions. Algorithms developed to predict the effect of missense changes on protein structure and function are either unavailable or do not agree on the potential impact of this missense change (SIFT: "Deleterious"; PolyPhen-2: "Probably Damaging"; Align-GVGD: "Class C0"). In summary, the available evidence is currently insufficient to determine the role of this variant in disease. Therefore, it has been classified as a Variant of Uncertain Significance.